The following is an entry in ClinVar:

ClinVar aggregate classification (germline): Uncertain significance (1 of 4 stars; one submission).

Conditions:
Autosomal recessive limb-girdle muscular dystrophy type 2P. Also called: Limb-Girdle Muscular Dystrophy Type 9C; MUSCULAR DYSTROPHY, LIMB-GIRDLE, TYPE 2P; MUSCULAR DYSTROPHY-DYSTROGLYCANOPATHY, LIMB-GIRDLE, DAG1-RELATED. Identifiers: Orphanet 280333, MedGen C4511963, MONDO:0013440, OMIM 613818.
Muscular dystrophy-dystroglycanopathy (congenital with brain and eye anomalies), type A9. Also called: WALKER-WARBURG SYNDROME OR MUSCLE-EYE BRAIN DISEASE, DAG1-RELATED; Muscular dystrophy-dystroglycanopathy (congenital with brain and eye anomalies), type a, 9. Identifiers: Orphanet 370997, Orphanet 899, MedGen C4225291, MONDO:0014683, OMIM 616538.

Allele frequency attached by ClinVar (database versions not stated): gnomAD exomes below 0.00001; ExAC 0.00001.
gnomAD v4.1: 2 of 1,614,048 alleles (0.00012%); highest among the groups gnomAD compares: Admixed American, 0.0033%; no homozygotes.

Submission:

Labcorp Genetics (formerly Invitae), Labcorp
Classification: Uncertain significance for Autosomal recessive limb-girdle muscular dystrophy type 2P; Muscular dystrophy-dystroglycanopathy (congenital with brain and eye anomalies), type A9. Last evaluated: 2022-07-05. Review status: criteria provided, single submitter. Criteria: Invitae Variant Classification Sherloc (09022015). Collection method: clinical testing. Allele origin: germline.
Comment: In summary, the available evidence is currently insufficient to determine the role of this variant in disease. Therefore, it has been classified as a Variant of Uncertain Significance. Algorithms developed to predict the effect of missense changes on protein structure and function are either unavailable or do not agree on the potential impact of this missense change (SIFT: "Tolerated"; PolyPhen-2: "Probably Damaging"; Align-GVGD: "Class C0"). ClinVar contains an entry for this variant (Variation ID: 1493717). This variant has not been reported in the literature in individuals affected with DAG1-related conditions. This variant is present in population databases (rs776376235, gnomAD 0.003%). This sequence change replaces serine, which is neutral and polar, with proline, which is neutral and non-polar, at codon 878 of the DAG1 protein (p.Ser878Pro).

NM_004393.6(DAG1):c.2632T>C (p.Ser878Pro)

Gene: DAG1 (dystroglycan 1; plus strand). Cytogenetic location: 3p21.31.
Variant type: single nucleotide variant.
Coding change: c.2632T>C on transcript NM_004393.6 (MANE Select); coding-DNA position 2632, T replaced by C.
Protein change: p.Ser878Pro; replaces serine 878 with proline.
Molecular consequence: missense variant.
Genome position (GRCh38, 1-based): chr3:49,533,143, T>C. VCF-style: chr3-49533143-T-C. GRCh37 (hg19) VCF-style: chr3-49570576-T-C.
Other names: c.2632T>C, p.Ser878Pro (NM_001165928.4, NM_001177634.3, NM_001177635.3 and 9 more transcripts); short protein forms S878P.
Identifiers: ClinVar variation 1493717 (VCV001493717.6), dbSNP rs776376235, ClinGen allele CA2399301.
Genomic context (GRCh38, chr3:49,533,143, plus strand): 5'-CCCAATGCGCCTCCCTACCAGCCCCCACCGCCCTTCACAGCACCCATGGAGGGCAAGGGC[T>C]CCCGTCCCAAGAACATGACCCCATACCGGTCACCTCCTCCCTATGTCCCACCTTAACCCG-3'
Protein context (NP_004384.5, residues 868-888): PFTAPMEGKG[Ser878Pro]RPKNMTPYRS